The following is an entry in ClinVar:

NM_139027.6(ADAMTS13):c.2890G>A (p.Val964Met)

Gene: ADAMTS13 (ADAM metallopeptidase with thrombospondin type 1 motif 13; plus strand). Cytogenetic location: 9q34.2.
Variant type: single nucleotide variant.
Coding change: c.2890G>A on transcript NM_139027.6 (MANE Select); coding-DNA position 2890, G replaced by A.
Protein change: p.Val964Met; replaces valine 964 with methionine.
Molecular consequence: missense variant. On other transcripts: non-coding transcript variant (1).
Genome position (GRCh38, 1-based): chr9:133,449,811, G>A. VCF-style: chr9-133449811-G-A. GRCh37 (hg19) VCF-style: chr9-136314932-G-A.
Other names: c.2890G>A, p.Val964Met (NM_139025.5); c.2797G>A, p.Val933Met (NM_139026.6); short protein forms V933M, V964M.
Identifiers: ClinVar variation 912767 (VCV000912767.12), dbSNP rs141811556, ClinGen allele CA200940013.

ClinVar aggregate classification (germline): Conflicting classifications of pathogenicity. Review status: criteria provided, conflicting classifications (1 of 4 stars). 5 submissions from 5 submitters: Uncertain significance (4); Likely benign (1). Last evaluated 2025-11-03.

Conditions:
Upshaw-Schulman syndrome (TTP). Also called: THROMBOTIC THROMBOCYTOPENIC PURPURA, HEREDITARY; Congenital thrombotic thrombocytopenic purpura. Identifiers: Orphanet 93583, MedGen C1268935, MONDO:0010122, OMIM 274150.

Allele frequency attached by ClinVar (database versions not stated): gnomAD exomes 0.00005 and 0.00010; ExAC 0.00017; TOPMed 0.00040; gnomAD 0.00041 and 0.00043; ESP Exome Variant Server 0.00046; 1000 Genomes Project 30x 0.00047; 1000 Genomes Project 0.00060.
gnomAD v4.1: 150 of 1,614,030 alleles (0.0093%); highest among the groups gnomAD compares: African/African-American, 0.14%; 2 homozygotes.

Submissions (5):

Labcorp Genetics (formerly Invitae), Labcorp
Classification: Likely benign. Last evaluated: 2025-11-03. Review status: criteria provided, single submitter. Criteria: Invitae Variant Classification Sherloc (09022015). Collection method: clinical testing. Allele origin: germline.

Blueprint Genetics
Classification: Uncertain significance. Last evaluated: 2024-06-04. Review status: criteria provided, single submitter. Criteria: ACMG Guidelines, 2015. Collection method: clinical testing. Allele origin: germline.

Women's Health and Genetics/Laboratory Corporation of America, LabCorp
Classification: Uncertain significance. Last evaluated: 2024-02-16. Review status: criteria provided, single submitter. Criteria: LabCorp Variant Classification Summary - May 2015. Collection method: clinical testing. Allele origin: germline.
Comment: Variant summary: ADAMTS13 c.2890G>A (p.Val964Met) results in a conservative amino acid change located in the Thrombospondin type-1 (TSP1) repeat (IPR000884) of the encoded protein sequence. Three of five in-silico tools predict a benign effect of the variant on protein function. The variant allele was found at a frequency of 0.0001 in 250552 control chromosomes. This frequency does not allow for any conclusion about variant significance. c.2890G>A has been reported in the literature in at least one heterozygous individual affected with adult-onset Thrombotic Thrombocytopenic Purpura, but no second variant was specified (e.g. Joly_2018). This report does not provide unequivocal conclusions about association of the variant with Thrombotic Thrombocytopenic Purpura. To our knowledge, no experimental evidence demonstrating an impact on protein function has been reported. The following publication has been ascertained in the context of this evaluation (PMID: 30312976). ClinVar contains an entry for this variant (Variation ID: 912767). Based on the evidence outlined above, the variant was classified as uncertain significance.

Fulgent Genetics
Classification: Uncertain significance for Upshaw-Schulman syndrome. Last evaluated: 2022-04-29. Review status: criteria provided, single submitter. Criteria: ACMG Guidelines, 2015. Collection method: clinical testing. Allele origin: unknown.

Illumina Laboratory Services, Illumina
Classification: Uncertain significance for Upshaw-Schulman syndrome. Last evaluated: 2018-01-12. Review status: criteria provided, single submitter. Criteria: ICSL Variant Classification Criteria 13 December 2019. Collection method: clinical testing. Allele origin: germline.

Literature cited by the submitters: PubMed 30312976 (cited by Women's Health and Genetics/Laboratory Corporation of America, LabCorp).